The following is an entry in ClinVar:

NM_007294.4(BRCA1):c.1917G>A (p.Leu639=)

Gene: BRCA1 (BRCA1 DNA repair associated; minus strand). Cytogenetic location: 17q21.31.
Variant type: single nucleotide variant.
Coding change: c.1917G>A on transcript NM_007294.4 (MANE Select); coding-DNA position 1917, G replaced by A.
Protein change: p.Leu639=; no amino-acid change (leucine 639 retained).
Molecular consequence: synonymous variant. On other transcripts: intron variant (137).
Genome position (GRCh38, 1-based): chr17:43,093,614, C>T on the plus strand (G>A on the coding strand, the complement: BRCA1 is on the minus strand). VCF-style: chr17-43093614-C-T. GRCh37 (hg19) VCF-style: chr17-41245631-C-T.
Other names: c.787+1130G>A (NM_001407975.1, NM_001407971.1, NM_001407981.1 and 19 more transcripts); c.790+1127G>A (NM_001408406.1); c.646+1130G>A (NM_001408456.1, NM_001408410.1, NM_001408458.1 and 11 more transcripts); c.643+1130G>A (NM_001408465.1, NM_001408463.1, NM_001408462.1 and 3 more transcripts); c.577+1130G>A (NM_001408482.1, NM_001408484.1, NM_001408478.1 and 9 more transcripts); c.520+1130G>A (NM_001408504.1, NM_001408503.1, NM_001408505.1); c.523+1130G>A (NM_001408499.1, NM_001408498.1, NM_001408501.1 and 3 more transcripts); c.670+2232G>A (NM_001408422.1, NM_001408418.1, NM_001408423.1 and 2 more transcripts); and 40 more.
Identifiers: ClinVar variation 185345 (VCV000185345.27), dbSNP rs786202103, ClinGen allele CA001260.

ClinVar aggregate classification (germline): Likely benign. Review status: reviewed by expert panel (3 of 4 stars). 3 submissions from 3 submitters: Likely benign (1). 2 of the submissions do not count toward it. Last evaluated 2017-06-29.

Conditions:
Hereditary breast ovarian cancer syndrome. Also called: Hereditary breast and ovarian cancer syndrome; Hereditary breast and ovarian cancer syndrome (HBOC); BRCA1- and BRCA2-Associated Hereditary Breast and Ovarian Cancer; Breast and ovarian cancer; Hereditary breast and ovarian cancer; Hereditary breast and/or ovarian cancer syndrome. Identifiers: Orphanet 145, MedGen C0677776, MeSH D061325, MONDO:0003582. Disease mechanism: loss of function.
Hereditary cancer-predisposing syndrome. Also called: Hereditary Cancer Syndrome; Hereditary neoplastic syndrome; Tumor predisposition; Neoplastic Syndromes, Hereditary. Identifiers: Orphanet 140162, MedGen C0027672, MeSH D009386, MONDO:0015356.
Breast-ovarian cancer, familial, susceptibility to, 1 (BROVCA1). Also called: OVARIAN CANCER, SUSCEPTIBILITY TO; BRCA1 Hereditary Breast and Ovarian Cancer. Identifiers: Orphanet 145, MedGen C2676676, MONDO:0011450, OMIM 604370. Disease mechanism: loss of function.

Allele frequency attached by ClinVar (database versions not stated): gnomAD exomes below 0.00001.
gnomAD v4.1: 1 of 1,613,998 alleles (0.000062%); highest among the groups gnomAD compares: African/African-American, 0.0013%; no homozygotes.

Submissions (3):

Evidence-based Network for the Interpretation of Germline Mutant Alleles (ENIGMA)
Classification: Likely benign for Breast-ovarian cancer, familial, susceptibility to, 1. Last evaluated: 2017-06-29. Review status: reviewed by expert panel. Criteria: ENIGMA BRCA1/2 Classification Criteria (2017-06-29). Collection method: curation. Allele origin: germline.
Comment: Synonymous substitution variant, with low bioinformatic likelihood to result in a splicing aberration (Splicing prior probability 0.02).

Labcorp Genetics (formerly Invitae), Labcorp
Classification: Likely benign for Hereditary breast ovarian cancer syndrome. Last evaluated: 2019-12-11. Review status: criteria provided, single submitter. Criteria: Invitae Variant Classification Sherloc (09022015). Collection method: clinical testing. Allele origin: germline. Not counted in ClinVar's aggregate classification.

Ambry Genetics
Classification: Likely benign for Hereditary cancer-predisposing syndrome. Last evaluated: 2014-06-11. Review status: criteria provided, single submitter. Criteria: Ambry Variant Classification Scheme 2023. Collection method: clinical testing. Allele origin: germline. Not counted in ClinVar's aggregate classification.